The following is an entry in ClinVar:

NM_001354930.2(RIPK1):c.1690T>C (p.Phe564Leu)

Gene: RIPK1 (receptor interacting serine/threonine kinase 1; plus strand). Cytogenetic location: 6p25.2.
Variant type: single nucleotide variant.
Coding change: c.1690T>C on transcript NM_001354930.2 (MANE Select); coding-DNA position 1690, T replaced by C.
Protein change: p.Phe564Leu; replaces phenylalanine 564 with leucine.
Molecular consequence: missense variant.
Genome position (GRCh38, 1-based): chr6:3,110,916, T>C. VCF-style: chr6-3110916-T-C. GRCh37 (hg19) VCF-style: chr6-3111150-T-C.
Other names: c.1201T>C, p.Phe401Leu (NM_001317061.3, NM_001354932.2, NM_001354933.2 and 1 more transcripts); c.1552T>C, p.Phe518Leu (NM_001354931.2); c.1690T>C, p.Phe564Leu (NM_003804.6); short protein forms F518L, F401L, F564L.
Identifiers: ClinVar variation 2860373 (VCV002860373.3), dbSNP rs1361945135, ClinGen allele CA362576820.

ClinVar aggregate classification (germline): Uncertain significance (1 of 4 stars; one submission).

Allele frequency attached by ClinVar (database versions not stated): gnomAD exomes below 0.00001; TOPMed below 0.00001; gnomAD 0.00001.
gnomAD v4.1: 2 of 1,613,390 alleles (0.00012%); highest among the groups gnomAD compares: Non-Finnish European, 0.00017%; no homozygotes.

Submission:

Labcorp Genetics (formerly Invitae), Labcorp
Classification: Uncertain significance. Last evaluated: 2023-04-28. Review status: criteria provided, single submitter. Criteria: Invitae Variant Classification Sherloc (09022015). Collection method: clinical testing. Allele origin: germline.
Comment: This sequence change replaces phenylalanine, which is neutral and non-polar, with leucine, which is neutral and non-polar, at codon 564 of the RIPK1 protein (p.Phe564Leu). This variant is not present in population databases (gnomAD no frequency). This variant has not been reported in the literature in individuals affected with RIPK1-related conditions. Algorithms developed to predict the effect of missense changes on protein structure and function output the following: SIFT: "Not Available"; PolyPhen-2: "Benign"; Align-GVGD: "Not Available". The leucine amino acid residue is found in multiple mammalian species, which suggests that this missense change does not adversely affect protein function. In summary, the available evidence is currently insufficient to determine the role of this variant in disease. Therefore, it has been classified as a Variant of Uncertain Significance.